The following is an entry in ClinVar:

NM_007215.4(POLG2):c.150C>T (p.Leu50=)

Genes: POLG2 (DNA polymerase gamma 2, accessory subunit; minus strand), MILR1 (mast cell immunoglobulin like receptor 1; plus strand). Cytogenetic location: 17q23.3.
Variant type: single nucleotide variant.
Coding change: c.150C>T on transcript NM_007215.4 (MANE Select); coding-DNA position 150, C replaced by T.
Protein change: p.Leu50=; no amino-acid change (leucine 50 retained).
Molecular consequence: synonymous variant.
Genome position (GRCh38, 1-based): chr17:64,496,819, G>A on the plus strand (C>T on the coding strand, the complement: POLG2 is on the minus strand). VCF-style: chr17-64496819-G-A. GRCh37 (hg19) VCF-style: chr17-62492937-G-A.
Identifiers: ClinVar variation 508930 (VCV000508930.5), dbSNP rs1202762031, ClinGen allele CA501686763.
Genomic context (GRCh38, chr17:64,496,819, plus strand): 5'-TAACAGCGCCTCGCTTCCCTCTCCAGACCCGGGGGCTTCTGGGTGCTCGCCGTTCCCCTC[G>A]AGCTCCGCGTGCGACTTCACATGCCCTCCTTTGGGGCTACTCCTTTCCGTCAACAGCTCC-3'
Protein context (NP_009146.2, residues 40-60): KGGHVKSHAE[Leu50=]EGNGEHPEAP

ClinVar aggregate classification (germline): Likely benign. Review status: criteria provided, multiple submitters, no conflicts (2 of 4 stars). 2 submissions from 2 submitters: Likely benign (2). Last evaluated 2023-07-21.

Allele frequency attached by ClinVar (database versions not stated): gnomAD exomes 0.00001.
gnomAD v4.1: 7 of 1,613,528 alleles (0.00043%); highest among the groups gnomAD compares: Non-Finnish European, 0.00059%; no homozygotes.

Submissions (2):

Labcorp Genetics (formerly Invitae), Labcorp
Classification: Likely benign. Last evaluated: 2023-07-21. Review status: criteria provided, single submitter. Criteria: Invitae Variant Classification Sherloc (09022015). Collection method: clinical testing. Allele origin: germline.

GeneDx
Classification: Likely benign. Last evaluated: 2017-04-24. Review status: criteria provided, single submitter. Criteria: GeneDx Variant Classification (06012015). Collection method: clinical testing. Allele origin: germline. Affected: yes.
Comment: This variant is considered likely benign or benign based on one or more of the following criteria: it is a conservative change, it occurs at a poorly conserved position in the protein, it is predicted to be benign by multiple in silico algorithms, and/or has population frequency not consistent with disease.